The following is an entry in ClinVar:

ClinVar aggregate classification (germline): Uncertain significance. Review status: criteria provided, multiple submitters, no conflicts (2 of 4 stars). 2 submissions from 2 submitters: Uncertain significance (2). Last evaluated 2026-02-20.

gnomAD v4.1: 11 of 1,604,510 alleles (0.00069%); highest among the groups gnomAD compares: Admixed American, 0.017%; no homozygotes.

Submissions (2):

Dasa
Classification: Uncertain significance. Last evaluated: 2026-02-20. Review status: criteria provided, single submitter. Criteria: DASA Assertion Criteria. Collection method: clinical testing. Allele origin: germline.
Comment: NM_007212.4(RNF2):c.907A>C (p.Thr303Pro) is a missense variant that results in the substitution of threonine with proline. This variant is rare in population databases. Computational prediction algorithms are consistent with a deleterious effect. The currently available literature and clinical evidence are not sufficient to establish a definitive association between this variant and the reported condition. Therefore, this variant is classified as a variant of uncertain significance.

Ambry Genetics
Classification: Uncertain significance. Last evaluated: 2025-06-11. Review status: criteria provided, single submitter. Criteria: Ambry Variant Classification Scheme 2023. Collection method: clinical testing. Allele origin: germline.

NM_007212.4(RNF2):c.907A>C (p.Thr303Pro)

Gene: RNF2 (ring finger protein 2; plus strand). Cytogenetic location: 1q25.3.
Variant type: single nucleotide variant.
Coding change: c.907A>C on transcript NM_007212.4 (MANE Select); coding-DNA position 907, A replaced by C.
Protein change: p.Thr303Pro; replaces threonine 303 with proline.
Molecular consequence: missense variant.
Genome position (GRCh38, 1-based): chr1:185,099,960, A>C. VCF-style: chr1-185099960-A-C. GRCh37 (hg19) VCF-style: chr1-185069092-A-C.
Other names: short protein forms T303P.
Identifiers: ClinVar variation 3946621 (VCV003946621.3).